The following is an entry in ClinVar:

ClinVar aggregate classification (germline): Benign/Likely benign. Review status: criteria provided, multiple submitters, no conflicts (2 of 4 stars). 4 submissions from 4 submitters: Benign (1); Likely benign (3). Last evaluated 2026-01-28.

Conditions:
Ehlers-Danlos syndrome, classic type, 1 (EDSCL1). Also called: EDS I; Ehlers-Danlos syndrome, type 1; Ehlers-Danlos Syndrome, Classic Type, COL5A1-Related; EHLERS-DANLOS SYNDROME, GRAVIS TYPE; EHLERS-DANLOS SYNDROME, SEVERE CLASSIC TYPE. Identifiers: MedGen C0268335, MONDO:0019567, OMIM 130000.
Osteogenesis imperfecta type I (OI1). Also called: Lobstein's Disease; Lobstein disease; OI, TYPE I; OSTEOGENESIS IMPERFECTA TARDA; OSTEOGENESIS IMPERFECTA WITH BLUE SCLERAE; Classic Non-deforming Osteogenesis Imperfecta with Blue Sclerae. Identifiers: Orphanet 216796, Orphanet 666, MedGen C0023931, MONDO:0008146, OMIM 166200. Disease mechanism: loss of function.
Cardiovascular phenotype. Identifiers: MedGen CN230736.
COL1A2-related disorder. Also called: COL1A2-Related Disorders; COL1A2-related condition.

Allele frequency attached by ClinVar (database versions not stated): gnomAD 0.00006; TOPMed 0.00008.
gnomAD v4.1: 51 of 1,584,818 alleles (0.0032%); highest among the groups gnomAD compares: Middle Eastern, 0.017%; no homozygotes.

Submissions (4):

Labcorp Genetics (formerly Invitae), Labcorp
Classification: Benign for Osteogenesis imperfecta type I; Ehlers-Danlos syndrome, classic type, 1. Last evaluated: 2026-01-28. Review status: criteria provided, single submitter. Criteria: Invitae Variant Classification Sherloc (09022015). Collection method: clinical testing. Allele origin: germline.

PreventionGenetics, part of Exact Sciences
Classification: Likely benign for COL1A2-related condition. Last evaluated: 2025-09-09. Review status: criteria provided, single submitter. Criteria: ACMG Guidelines, 2015. Collection method: clinical testing. Allele origin: germline.
Comment: This variant is classified as likely benign based on ACMG/AMP sequence variant interpretation guidelines (Richards et al. 2015 PMID: 25741868, with internal and published modifications).

Women's Health and Genetics/Laboratory Corporation of America, LabCorp
Classification: Likely benign. Last evaluated: 2025-04-23. Review status: criteria provided, single submitter. Criteria: LabCorp Variant Classification Summary - May 2015. Collection method: clinical testing. Allele origin: germline.

Ambry Genetics
Classification: Likely benign for Cardiovascular phenotype. Last evaluated: 2019-07-27. Review status: criteria provided, single submitter. Criteria: Ambry Variant Classification Scheme 2023. Collection method: clinical testing. Allele origin: germline.

NM_000089.4(COL1A2):c.1825C>A (p.Arg609=)

Gene: COL1A2 (collagen type I alpha 2 chain; plus strand). Cytogenetic location: 7q21.3.
Variant type: single nucleotide variant.
Coding change: c.1825C>A on transcript NM_000089.4 (MANE Select); coding-DNA position 1825, C replaced by A.
Protein change: p.Arg609=; no amino-acid change (arginine 609 retained).
Molecular consequence: synonymous variant.
Genome position (GRCh38, 1-based): chr7:94,416,465, C>A. VCF-style: chr7-94416465-C-A. GRCh37 (hg19) VCF-style: chr7-94045777-C-A.
Identifiers: ClinVar variation 710437 (VCV000710437.16), dbSNP rs765398195, ClinGen allele CA4347211.
Genomic context (GRCh38, chr7:94,416,465, plus strand): 5'-GGGGAACGCGGTCCCCCAGGTGAGAGTGGTGCTGCCGGTCCTACTGGTCCTATTGGAAGC[C>A]GAGGTCCTTCTGGACCCCCAGGGCCTGATGGAAACAAGGTAAAATCTTATGTTTTCTATA-3'
Protein context (NP_000080.2, residues 599-619): AAGPTGPIGS[Arg609=]GPSGPPGPDG